The following is an entry in ClinVar:

ClinVar aggregate classification (germline): Likely pathogenic (1 of 4 stars; one submission).

Conditions:
Renal coloboma syndrome (PAPRS). Also called: PAPILLORENAL SYNDROME; COLOBOMA OF OPTIC NERVE WITH RENAL DISEASE; OPTIC COLOBOMA, VESICOURETERAL REFLUX, AND RENAL ANOMALIES; OPTIC NERVE COLOBOMA WITH RENAL DISEASE; RENAL-COLOBOMA SYNDROME WITH MACULAR ABNORMALITIES; CONGENITAL ANOMALIES OF THE KIDNEY AND URINARY TRACT WITH OR WITHOUT OCULAR ABNORMALITIES. Identifiers: Orphanet 1475, MedGen C1852759, MONDO:0007352, OMIM 120330.

Submission:

MVZ Medizinische Genetik Mainz
Classification: Likely pathogenic for Renal coloboma syndrome. Last evaluated: 2026-01-16. Review status: criteria provided, single submitter. Criteria: UK Practice Guidelines For Variant Classification V4 01 2020. Collection method: clinical testing. Allele origin: germline. Inheritance: Autosomal dominant inheritance. Affected: yes. Observed: 1 variant allele.
Comment: ACMG Criteria: PM1,PP3_MOD,PM2_SUP,PM5_SUP

NM_000278.5(PAX2):c.234C>G (p.Ile78Met)

Gene: PAX2 (paired box 2; plus strand). Cytogenetic location: 10q24.31.
Variant type: single nucleotide variant.
Coding change: c.234C>G on transcript NM_000278.5 (MANE Select); coding-DNA position 234, C replaced by G.
Protein change: p.Ile78Met; replaces isoleucine 78 with methionine.
Molecular consequence: missense variant.
Genome position (GRCh38, 1-based): chr10:100,750,715, C>G. VCF-style: chr10-100750715-C-G. GRCh37 (hg19) VCF-style: chr10-102510472-C-G.
Other names: c.327C>G, p.Ile109Met (NM_001304569.2); c.234C>G, p.Ile78Met (NM_003987.5, NM_003988.5, NM_003989.5 and 1 more transcripts); short protein forms I109M, I78M.
Identifiers: ClinVar variation 4688158 (VCV004688158.1).